The following is an entry in ClinVar:

NM_001374736.1(DST):c.8246G>A (p.Gly2749Glu)

Gene: DST (dystonin; minus strand). Cytogenetic location: 6p12.1.
Variant type: single nucleotide variant.
Coding change: c.8246G>A on transcript NM_001374736.1 (MANE Select); coding-DNA position 8246, G replaced by A.
Protein change: p.Gly2749Glu; replaces glycine 2749 with glutamic acid.
Molecular consequence: missense variant. On other transcripts: intron variant (6).
Genome position (GRCh38, 1-based): chr6:56,606,382, C>T on the plus strand (G>A on the coding strand, the complement: DST is on the minus strand). VCF-style: chr6-56606382-C-T. GRCh37 (hg19) VCF-style: chr6-56471180-C-T.
Other names: c.4650+4045G>A (NM_183380.4, NM_001374730.1, NM_001386100.1); c.3672+4045G>A (NM_015548.5); c.8246G>A, p.Gly2749Glu (NM_001374722.1); c.7613G>A, p.Gly2538Glu (NM_001374729.1); c.8273G>A, p.Gly2758Glu (NM_001374734.1); c.5184+4045G>A (NM_001144769.5); c.4770+4045G>A (NM_001144770.2); short protein forms G2538E, G2749E, G2758E.
Identifiers: ClinVar variation 4533548 (VCV004533548.6).

ClinVar aggregate classification (germline): Likely benign (1 of 4 stars; one submission).

gnomAD v4.1: 153 of 1,613,356 alleles (0.0095%); highest among the groups gnomAD compares: African/African-American, 0.17%; no homozygotes.

Submission:

CeGaT Center for Human Genetics Tuebingen
Classification: Likely benign. Last evaluated: 2025-11-01. Review status: criteria provided, single submitter. Criteria: CeGaT Center For Human Genetics Tuebingen Variant Classification Criteria Version 2. Collection method: clinical testing. Allele origin: germline. Affected: yes. Observed: 1 variant allele.
Comment: DST: BP4